The following is an entry in ClinVar:

NM_022168.4(IFIH1):c.1181C>T (p.Thr394Ile)

Gene: IFIH1 (interferon induced with helicase C domain 1; minus strand). Cytogenetic location: 2q24.2.
Variant type: single nucleotide variant.
Coding change: c.1181C>T on transcript NM_022168.4 (MANE Select); coding-DNA position 1181, C replaced by T.
Protein change: p.Thr394Ile; replaces threonine 394 with isoleucine.
Molecular consequence: missense variant.
Genome position (GRCh38, 1-based): chr2:162,282,491, G>A on the plus strand (C>T on the coding strand, the complement: IFIH1 is on the minus strand). VCF-style: chr2-162282491-G-A. GRCh37 (hg19) VCF-style: chr2-163139001-G-A.
Other names: short protein forms T394I.
Identifiers: ClinVar variation 3750267 (VCV003750267.2).
Genomic context (GRCh38, chr2:162,282,491, plus strand): 5'-GCTGTACTGATAATAATATCACAGGACTTGACAACTTCTGGAAATGATATTTTCAGTTGG[G>A]TATCACCACTTAATCCAATAACACGATACCATTTCTTCAAAAATGGTTGGAACTCCTTGC-3'
Protein context (NP_071451.2, residues 384-404): WYRVIGLSGD[Thr394Ile]QLKISFPEVV

ClinVar aggregate classification (germline): Uncertain significance (1 of 4 stars; one submission).

Conditions:
Aicardi-Goutieres syndrome 7 (AGS7). Identifiers: Orphanet 51, MedGen C3888244, MONDO:0014367, OMIM 615846.
Singleton-Merten syndrome 1 (SGMRT1). Also called: Widened medullary cavities of bone, aortic calcification, abnormal dentition, and muscular weakness; Syndrome of widened medullary cavities of the metacarpals and phalanges, aortic calcification and abnormal dentition. Identifiers: Orphanet 85191, MedGen C4225427, MONDO:0024535, OMIM 182250.

gnomAD v4.1: 3 of 1,611,010 alleles (0.00019%); highest among the groups gnomAD compares: African/African-American, 0.0027%; no homozygotes.

Submission:

Labcorp Genetics (formerly Invitae), Labcorp
Classification: Uncertain significance for Aicardi-Goutieres syndrome 7; Singleton-Merten syndrome 1. Last evaluated: 2024-11-15. Review status: criteria provided, single submitter. Criteria: Invitae Variant Classification Sherloc (09022015). Collection method: clinical testing. Allele origin: germline.
Comment: This sequence change replaces threonine, which is neutral and polar, with isoleucine, which is neutral and non-polar, at codon 394 of the IFIH1 protein (p.Thr394Ile). This variant is not present in population databases (gnomAD no frequency). This variant has not been reported in the literature in individuals affected with IFIH1-related conditions. Invitae Evidence Modeling of protein sequence and biophysical properties (such as structural, functional, and spatial information, amino acid conservation, physicochemical variation, residue mobility, and thermodynamic stability) has been performed for this missense variant. However, the output from this modeling did not meet the statistical confidence thresholds required to predict the impact of this variant on IFIH1 protein function. In summary, the available evidence is currently insufficient to determine the role of this variant in disease. Therefore, it has been classified as a Variant of Uncertain Significance.